The following is an entry in ClinVar:

ClinVar aggregate classification (germline): Uncertain significance (1 of 4 stars; one submission).

Allele frequency attached by ClinVar (database versions not stated): gnomAD 0.00001; TOPMed 0.00001; ExAC 0.00002; gnomAD exomes 0.00005; ESP Exome Variant Server 0.00008.
gnomAD v4.1: 70 of 1,613,578 alleles (0.0043%); highest among the groups gnomAD compares: Non-Finnish European, 0.0059%; no homozygotes.

Submission:

Women's Health and Genetics/Laboratory Corporation of America, LabCorp
Classification: Uncertain significance. Last evaluated: 2023-08-31. Review status: criteria provided, single submitter. Criteria: LabCorp Variant Classification Summary - May 2015. Collection method: clinical testing. Allele origin: germline.
Comment: Variant summary: MAP1B c.1844C>T (p.Pro615Leu) results in a non-conservative amino acid change in the encoded protein sequence. Four of five in-silico tools predict a benign effect of the variant on protein function. The variant allele was found at a frequency of 8e-06 in 250726 control chromosomes (gnomAD). The available data on variant occurrences in the general population are insufficient to allow any conclusion about variant significance. To our knowledge, no occurrence of c.1844C>T in individuals affected with Periventricular Nodular Heterotopia 9 and no experimental evidence demonstrating its impact on protein function have been reported. No submitters have cited clinical-significance assessments for this variant to ClinVar after 2014. Based on the evidence outlined above, the variant was classified as uncertain significance.

NM_005909.5(MAP1B):c.1844C>T (p.Pro615Leu)

Gene: MAP1B (microtubule associated protein 1B; plus strand). Cytogenetic location: 5q13.2.
Variant type: single nucleotide variant.
Coding change: c.1844C>T on transcript NM_005909.5 (MANE Select); coding-DNA position 1844, C replaced by T.
Protein change: p.Pro615Leu; replaces proline 615 with leucine.
Molecular consequence: missense variant.
Genome position (GRCh38, 1-based): chr5:72,195,199, C>T. VCF-style: chr5-72195199-C-T. GRCh37 (hg19) VCF-style: chr5-71491026-C-T.
Other names: c.1466C>T, p.Pro489Leu (NM_001324255.2); short protein forms P489L, P615L.
Identifiers: ClinVar variation 2581470 (VCV002581470.1), dbSNP rs146996784, ClinGen allele CA3298746.